The following is an entry in ClinVar:

NM_005689.4(ABCB6):c.1119G>A (p.Ala373=)

Gene: ABCB6 (ATP binding cassette subfamily B member 6 (LAN blood group); minus strand). Cytogenetic location: 2q35.
Variant type: single nucleotide variant.
Coding change: c.1119G>A on transcript NM_005689.4 (MANE Select); coding-DNA position 1119, G replaced by A.
Protein change: p.Ala373=; no amino-acid change (alanine 373 retained).
Molecular consequence: synonymous variant.
Genome position (GRCh38, 1-based): chr2:219,216,032, C>T on the plus strand (G>A on the coding strand, the complement: ABCB6 is on the minus strand). VCF-style: chr2-219216032-C-T. GRCh37 (hg19) VCF-style: chr2-220080754-C-T.
Other names: p.Ala373=; c.981G>A, p.Ala327= (NM_001349828.2).
Identifiers: ClinVar variation 1346286 (VCV001346286.26), dbSNP rs752219177, ClinGen allele CA2119519.

ClinVar aggregate classification (germline): Likely benign. Review status: criteria provided, multiple submitters, no conflicts (2 of 4 stars). 3 submissions from 3 submitters: Likely benign (3). Last evaluated 2025-03-12.

Allele frequency attached by ClinVar (database versions not stated): gnomAD 0.00001 and 0.00002; TOPMed 0.00003; gnomAD exomes 0.00007.
gnomAD v4.1: 52 of 1,601,672 alleles (0.0032%); highest among the groups gnomAD compares: Admixed American, 0.03%; no homozygotes.

Submissions (3):

Mayo Clinic Laboratories, Mayo Clinic
Classification: Likely benign. Last evaluated: 2025-03-12. Review status: criteria provided, single submitter. Criteria: ACMG Guidelines, 2015. Collection method: clinical testing. Allele origin: germline. Observed: 1 variant allele.
Comment: BP4, BP7, PM2_supporting

CeGaT Center for Human Genetics Tuebingen
Classification: Likely benign. Last evaluated: 2024-05-01. Review status: criteria provided, single submitter. Criteria: CeGaT Center For Human Genetics Tuebingen Variant Classification Criteria Version 2. Collection method: clinical testing. Allele origin: germline. Affected: yes. Observed: 1 variant allele.
Comment: ABCB6: BP4, BP7

Labcorp Genetics (formerly Invitae), Labcorp
Classification: Likely benign. Last evaluated: 2023-12-11. Review status: criteria provided, single submitter. Criteria: Invitae Variant Classification Sherloc (09022015). Collection method: clinical testing. Allele origin: germline.